The following is an entry in ClinVar:

NM_004525.3(LRP2):c.12365A>G (p.Asn4122Ser)

Gene: LRP2 (LDL receptor related protein 2; minus strand). Cytogenetic location: 2q31.1.
Variant type: single nucleotide variant.
Coding change: c.12365A>G on transcript NM_004525.3 (MANE Select); coding-DNA position 12365, A replaced by G.
Protein change: p.Asn4122Ser; replaces asparagine 4122 with serine.
Molecular consequence: missense variant.
Genome position (GRCh38, 1-based): chr2:169,152,895, T>C on the plus strand (A>G on the coding strand, the complement: LRP2 is on the minus strand). VCF-style: chr2-169152895-T-C. GRCh37 (hg19) VCF-style: chr2-170009405-T-C.
Other names: short protein forms N4122S.
Identifiers: ClinVar variation 1985417 (VCV001985417.3), dbSNP rs1383756956, ClinGen allele CA349135260.
Genomic context (GRCh38, chr2:169,152,895, plus strand): 5'-ATTACGTATTTCAGTTTCAGGTCAACTTCCTGCACAAGATTATTGCGGCCGGATTCAAAG[T>C]TGGGGATGTAGGCACGTTTGATAGCACCAAACCTAGAGCCCTCCCCTCGCACAGTGTAAT-3'
Protein context (NP_004516.2, residues 4112-4132): FGAIKRAYIP[Asn4122Ser]FESGRNNLVQ

ClinVar aggregate classification (germline): Uncertain significance (1 of 4 stars; one submission).

Allele frequency attached by ClinVar (database versions not stated): gnomAD exomes below 0.00001; TOPMed 0.00001.
gnomAD v4.1: 1 of 1,614,124 alleles (0.000062%); highest among the groups gnomAD compares: Non-Finnish European, 0.000085%; no homozygotes.

Submission:

Labcorp Genetics (formerly Invitae), Labcorp
Classification: Uncertain significance. Last evaluated: 2025-07-10. Review status: criteria provided, single submitter. Criteria: Invitae Variant Classification Sherloc (09022015). Collection method: clinical testing. Allele origin: germline.
Comment: This sequence change replaces asparagine, which is neutral and polar, with serine, which is neutral and polar, at codon 4122 of the LRP2 protein (p.Asn4122Ser). This variant is not present in population databases (gnomAD no frequency). This variant has not been reported in the literature in individuals affected with LRP2-related conditions. ClinVar contains an entry for this variant (Variation ID: 1985417). Invitae Evidence Modeling of protein sequence and biophysical properties (such as structural, functional, and spatial information, amino acid conservation, physicochemical variation, residue mobility, and thermodynamic stability) indicates that this missense variant is not expected to disrupt LRP2 protein function with a negative predictive value of 95%. In summary, the available evidence is currently insufficient to determine the role of this variant in disease. Therefore, it has been classified as a Variant of Uncertain Significance.